The following is an entry in ClinVar:

NM_001377.3(DYNC2H1):c.327C>G (p.Tyr109Ter)

Gene: DYNC2H1 (dynein cytoplasmic 2 heavy chain 1; plus strand). Cytogenetic location: 11q22.3.
Variant type: single nucleotide variant.
Coding change: c.327C>G on transcript NM_001377.3 (MANE Select); coding-DNA position 327, C replaced by G.
Protein change: p.Tyr109Ter; replaces tyrosine 109 with a stop codon.
Molecular consequence: nonsense.
Genome position (GRCh38, 1-based): chr11:103,113,668, C>G. VCF-style: chr11-103113668-C-G. GRCh37 (hg19) VCF-style: chr11-102984397-C-G.
Other names: c.327C>G, p.Tyr109Ter (NM_001080463.2); short protein forms Y109*.
Identifiers: ClinVar variation 446610 (VCV000446610.10), dbSNP rs755305630, ClinGen allele CA6252449.

ClinVar aggregate classification (germline): Pathogenic. Review status: criteria provided, multiple submitters, no conflicts (2 of 4 stars). 5 submissions from 5 submitters: Pathogenic (3). 2 of the submissions do not count toward it. Last evaluated 2024-03-01.

Conditions:
Jeune thoracic dystrophy. Also called: Short-rib thoracic dysplasia; Jeune syndrome; Infantile thoracic dystrophy; Thoracic pelvic phalangeal dystrophy; Jeune's syndrome; Chondroectodermal dysplasia-like syndrome. Identifiers: Orphanet 474, MedGen C0265275, MONDO:0018770.
Asphyxiating thoracic dystrophy 3. Also called: SHORT-RIB THORACIC DYSPLASIA 3 WITH OR WITHOUT POLYDACTYLY; POLYDACTYLY WITH NEONATAL CHONDRODYSTROPHY, TYPE I; SHORT-RIB THORACIC DYSPLASIA 3/6 WITH POLYDACTYLY, DIGENIC; Saldino-Noonan Syndrome; Short rib polydactyly syndrome 2B. Identifiers: Orphanet 474, Orphanet 93269, Orphanet 93270, Orphanet 93271, MedGen C0036069, MONDO:0013127, OMIM 613091.

Allele frequency attached by ClinVar (database versions not stated): gnomAD 0.00001; ExAC 0.00002; TOPMed 0.00002; gnomAD exomes 0.00001.
gnomAD v4.1: 35 of 1,565,692 alleles (0.0022%); highest among the groups gnomAD compares: Non-Finnish European, 0.003%; no homozygotes.

Submissions (5):

Myriad Genetics, Inc.
Classification: Pathogenic for Asphyxiating thoracic dystrophy 3. Last evaluated: 2024-03-01. Review status: criteria provided, single submitter. Criteria: Myriad Autosomal Dominant, Autosomal Recessive and X-Linked Classification Criteria (2023). Collection method: clinical testing. Allele origin: unknown.
Comment: NM_001377.2(DYNC2H1):c.327C>G(Y109*) is expected to be pathogenic in the context of DYNC2H1-related disorders. This variant is predicted to lead to an abnormal or absent protein product due to the creation of a premature termination codon in DYNC2H1, a gene where loss-of-function variants are known to be pathogenic. Please note: this variant was assessed in the context of healthy population screening.

Labcorp Genetics (formerly Invitae), Labcorp
Classification: Pathogenic for Jeune thoracic dystrophy. Last evaluated: 2023-09-15. Review status: criteria provided, single submitter. Criteria: Invitae Variant Classification Sherloc (09022015). Collection method: clinical testing. Allele origin: germline.
Comment: ClinVar contains an entry for this variant (Variation ID: 446610). For these reasons, this variant has been classified as Pathogenic. This premature translational stop signal has been observed in individual(s) with DYNC2H1-related conditions (PMID: 29068549). This sequence change creates a premature translational stop signal (p.Tyr109*) in the DYNC2H1 gene. It is expected to result in an absent or disrupted protein product. Loss-of-function variants in DYNC2H1 are known to be pathogenic (PMID: 23339108, 32753734, 33755199). This variant is present in population databases (rs755305630, gnomAD 0.003%).

GeneDx
Classification: Pathogenic. Last evaluated: 2022-04-26. Review status: criteria provided, single submitter. Criteria: GeneDx Variant Classification Process June 2021. Collection method: clinical testing. Allele origin: germline. Affected: yes.
Comment: Nonsense variant predicted to result in protein truncation or nonsense mediated decay in a gene for which loss-of-function is a known mechanism of disease; Not observed at significant frequency in large population cohorts (gnomAD); Reported in a neonatal case of short rib polydactyly type III; a second variant was also identified but the phase of these variants is unknown (Zhang W et al., 2018); This variant is associated with the following publications: (PMID: 29068549)

Dan Cohn Lab, University Of California Los Angeles
Classification: Pathogenic for Asphyxiating thoracic dystrophy 3. Last evaluated: 2017-06-01. Review status: no assertion criteria provided. Collection method: research. Allele origin: unknown. Affected: yes. Not counted in ClinVar's aggregate classification.

University of Washington Center for Mendelian Genomics, University of Washington
Classification: Likely pathogenic for Asphyxiating thoracic dystrophy 3. Review status: no assertion criteria provided. Collection method: research. Allele origin: inherited. Affected: yes. Not counted in ClinVar's aggregate classification.

Literature cited by the submitters: PubMed 29068549 (cited by 3 submitters); PubMed 23339108 (cited by Labcorp Genetics (formerly Invitae), Labcorp); PubMed 32753734 (cited by Labcorp Genetics (formerly Invitae), Labcorp); PubMed 33755199 (cited by Labcorp Genetics (formerly Invitae), Labcorp).